The following is an entry in ClinVar:

ClinVar aggregate classification (germline): Uncertain significance (1 of 4 stars; one submission).

Allele frequency attached by ClinVar (database versions not stated): gnomAD 0.00001; gnomAD exomes 0.00001.
gnomAD v4.1: 5 of 1,613,834 alleles (0.00031%); highest among the groups gnomAD compares: Non-Finnish European, 0.00042%; no homozygotes.

Submission:

Labcorp Genetics (formerly Invitae), Labcorp
Classification: Uncertain significance. Last evaluated: 2024-05-18. Review status: criteria provided, single submitter. Criteria: Invitae Variant Classification Sherloc (09022015). Collection method: clinical testing. Allele origin: germline.
Comment: This sequence change falls in intron 61 of the COL11A1 gene. It does not directly change the encoded amino acid sequence of the COL11A1 protein. It affects a nucleotide within the consensus splice site. This variant is present in population databases (no rsID available, gnomAD 0.002%). This variant has not been reported in the literature in individuals affected with COL11A1-related conditions. ClinVar contains an entry for this variant (Variation ID: 1508142). Variants that disrupt the consensus splice site are a relatively common cause of aberrant splicing (PMID: 17576681, 9536098). Algorithms developed to predict the effect of sequence changes on RNA splicing suggest that this variant is not likely to affect RNA splicing. In summary, the available evidence is currently insufficient to determine the role of this variant in disease. Therefore, it has been classified as a Variant of Uncertain Significance.

Literature cited by the submitters: PubMed 17576681; PubMed 9536098.

NM_001854.4(COL11A1):c.4554+3A>G

Gene: COL11A1 (collagen type XI alpha 1 chain; minus strand). Cytogenetic location: 1p21.1.
Variant type: single nucleotide variant.
Coding change: c.4554+3A>G on transcript NM_001854.4 (MANE Select); 3 bases into the intron after coding-DNA position 4554, A replaced by G.
Molecular consequence: intron variant.
Genome position (GRCh38, 1-based): chr1:102,888,720, T>C on the plus strand (A>G on the coding strand, the complement: COL11A1 is on the minus strand). VCF-style: chr1-102888720-T-C. GRCh37 (hg19) VCF-style: chr1-103354276-T-C.
Other names: c.4437+3A>G (NM_001190709.2); c.4590+3A>G (NM_080629.3); c.4206+3A>G (NM_080630.4).
Identifiers: ClinVar variation 1508142 (VCV001508142.6), dbSNP rs1325395705, ClinGen allele CA524990872.
Genomic context (GRCh38, chr1:102,888,720, plus strand): 5'-AAAGAAGAGGCAATTAAATAGGTTTCAATGCAAAATTAAATTGTCAAAGGGAAAAGTACT[T>C]ACAGTAGAGCCTTTGTTACCCTTTGGGCCTTGAGGACCCTACAAAATGCAAATGCAAAAG-3'